The following is an entry in ClinVar:

ClinVar aggregate classification (germline): Uncertain significance. Review status: criteria provided, multiple submitters, no conflicts (2 of 4 stars). 2 submissions from 2 submitters: Uncertain significance (2). Last evaluated 2025-01-19.

Conditions:
Inborn genetic diseases. Identifiers: MedGen C0950123, MeSH D030342.

gnomAD v4.1: 6 of 1,613,030 alleles (0.00037%); highest among the groups gnomAD compares: African/African-American, 0.008%; no homozygotes.

Submissions (2):

GeneDx
Classification: Uncertain significance. Last evaluated: 2025-01-19. Review status: criteria provided, single submitter. Criteria: GeneDx Variant Classification Process June 2021. Collection method: clinical testing. Allele origin: germline. Affected: yes.
Comment: Not observed at significant frequency in large population cohorts (gnomAD); In silico analysis supports that this missense variant has a deleterious effect on protein structure/function; Missense variant in a gene in which most reported pathogenic variants are truncating/loss of function; Has not been previously published as pathogenic or benign to our knowledge

Ambry Genetics
Classification: Uncertain significance for Inborn genetic diseases. Last evaluated: 2024-11-07. Review status: criteria provided, single submitter. Criteria: Ambry Variant Classification Scheme 2023. Collection method: clinical testing. Allele origin: germline.

NM_201384.3(PLEC):c.9938C>T (p.Pro3313Leu)

Gene: PLEC (plectin; minus strand). Cytogenetic location: 8q24.3.
Variant type: single nucleotide variant.
Coding change: c.9938C>T on transcript NM_201384.3 (MANE Select); coding-DNA position 9938, C replaced by T.
Protein change: p.Pro3313Leu; replaces proline 3313 with leucine.
Molecular consequence: missense variant.
Genome position (GRCh38, 1-based): chr8:143,919,883, G>A on the plus strand (C>T on the coding strand, the complement: PLEC is on the minus strand). VCF-style: chr8-143919883-G-A. GRCh37 (hg19) VCF-style: chr8-144994051-G-A.
Other names: c.10019C>T, p.Pro3340Leu (NM_000445.5); c.6638C>T, p.Pro2213Leu (NM_001410941.1); c.9896C>T, p.Pro3299Leu (NM_201378.4); c.9872C>T, p.Pro3291Leu (NM_201379.3); c.10349C>T, p.Pro3450Leu (NM_201380.4); c.9842C>T, p.Pro3281Leu (NM_201381.3); c.9938C>T, p.Pro3313Leu (NM_201382.4); c.9950C>T, p.Pro3317Leu (NM_201383.3); short protein forms P3281L, P3299L, P3313L, P3340L, P2213L, P3291L, P3450L, P3317L.
Identifiers: ClinVar variation 3420276 (VCV003420276.2).